The following is an entry in ClinVar:

ClinVar aggregate classification (germline): Uncertain significance (1 of 4 stars; one submission).

Submission:

Women's Health and Genetics/Laboratory Corporation of America, LabCorp
Classification: Uncertain significance. Last evaluated: 2023-09-20. Review status: criteria provided, single submitter. Criteria: LabCorp Variant Classification Summary - May 2015. Collection method: clinical testing. Allele origin: germline.
Comment: Variant summary: DDX6 c.107C>G (p.Thr36Arg) results in a non-conservative amino acid change in the encoded protein sequence. Three of five in-silico tools predict a benign effect of the variant on protein function. The variant was absent in 249292 control chromosomes (gnomAD). The available data on variant occurrences in the general population are insufficient to allow any conclusion about variant significance. To our knowledge, no occurrence of c.107C>G in individuals affected with Intellectual Developmental Disorder With Impaired Language And Dysmorphic Facies and no experimental evidence demonstrating its impact on protein function have been reported. No submitters have cited clinical-significance assessments for this variant to ClinVar after 2014. Based on the evidence outlined above, the variant was classified as uncertain significance.

NM_004397.6(DDX6):c.107C>G (p.Thr36Arg)

Gene: DDX6 (DEAD-box helicase 6; minus strand). Cytogenetic location: 11q23.3.
Variant type: single nucleotide variant.
Coding change: c.107C>G on transcript NM_004397.6 (MANE Select); coding-DNA position 107, C replaced by G.
Protein change: p.Thr36Arg; replaces threonine 36 with arginine.
Molecular consequence: missense variant.
Genome position (GRCh38, 1-based): chr11:118,786,145, G>C on the plus strand (C>G on the coding strand, the complement: DDX6 is on the minus strand). VCF-style: chr11-118786145-G-C. GRCh37 (hg19) VCF-style: chr11-118656854-G-C.
Other names: c.107C>G, p.Thr36Arg (NM_001257191.3); short protein forms T36R.
Identifiers: ClinVar variation 2627287 (VCV002627287.1), dbSNP rs1862066817, ClinGen allele CA382903308.